The following is an entry in ClinVar:

NM_000038.6(APC):c.4330C>G (p.Gln1444Glu)

Gene: APC (APC regulator of Wnt signaling pathway; plus strand). Cytogenetic location: 5q22.2.
Variant type: single nucleotide variant.
Coding change: c.4330C>G on transcript NM_000038.6 (MANE Select); coding-DNA position 4330, C replaced by G.
Protein change: p.Gln1444Glu; replaces glutamine 1444 with glutamic acid.
Molecular consequence: missense variant.
Genome position (GRCh38, 1-based): chr5:112,839,924, C>G. VCF-style: chr5-112839924-C-G. GRCh37 (hg19) VCF-style: chr5-112175621-C-G.
Other names: c.4276C>G, p.Gln1426Glu (NM_001127511.3); c.4330C>G, p.Gln1444Glu (NM_001354895.2, NM_001127510.3); c.4384C>G, p.Gln1462Glu (NM_001354896.2); c.4360C>G, p.Gln1454Glu (NM_001354897.2); c.4255C>G, p.Gln1419Glu (NM_001354898.2); c.4246C>G, p.Gln1416Glu (NM_001354899.2); c.4207C>G, p.Gln1403Glu (NM_001354900.2); c.4153C>G, p.Gln1385Glu (NM_001354901.2); and 5 more; short protein forms Q1426E, Q1444E, Q1403E, Q1343E, Q1385E, Q1419E, Q1454E, Q1161E.
Identifiers: ClinVar variation 537564 (VCV000537564.18), dbSNP rs1287444666, ClinGen allele CA16030820.
Genomic context (GRCh38, chr5:112,839,924, plus strand): 5'-CCAGATAGCCCTGGACAAACCATGCCACCAAGCAGAAGTAAAACACCTCCACCACCTCCT[C>G]AAACAGCTCAAACCAAGCGAGAAGTACCTAAAAATAAAGCACCTACTGCTGAAAAGAGAG-3'
Protein context (NP_000029.2, residues 1434-1454): SRSKTPPPPP[Gln1444Glu]TAQTKREVPK

ClinVar aggregate classification (germline): Uncertain significance. Review status: criteria provided, multiple submitters, no conflicts (2 of 4 stars). 4 submissions from 4 submitters: Uncertain significance (4). Last evaluated 2024-05-21.

Conditions:
Hereditary cancer-predisposing syndrome. Also called: Tumor predisposition; Hereditary Cancer Syndrome; Hereditary neoplastic syndrome; Neoplastic Syndromes, Hereditary. Identifiers: Orphanet 140162, MedGen C0027672, MeSH D009386, MONDO:0015356.
Classic or attenuated familial adenomatous polyposis. Identifiers: MedGen CN372698, MONDO:0021057.
Familial adenomatous polyposis 1 (FAP1). Also called: FAMILIAL ADENOMATOUS POLYPOSIS 1, ATTENUATED; POLYPOSIS, ADENOMATOUS INTESTINAL. Identifiers: MedGen C2713442, MONDO:0021056, OMIM 175100. Disease mechanism: loss of function.

Allele frequency attached by ClinVar (database versions not stated): TOPMed below 0.00001; gnomAD 0.00001.
gnomAD v4.1: 2 of 1,613,976 alleles (0.00012%); highest among the groups gnomAD compares: Non-Finnish European, 0.00017%; no homozygotes.

Submissions (4):

Labcorp Genetics (formerly Invitae), Labcorp
Classification: Uncertain significance for Familial adenomatous polyposis 1. Last evaluated: 2024-05-21. Review status: criteria provided, single submitter. Criteria: Invitae Variant Classification Sherloc (09022015). Collection method: clinical testing. Allele origin: germline.
Comment: This sequence change replaces glutamine, which is neutral and polar, with glutamic acid, which is acidic and polar, at codon 1444 of the APC protein (p.Gln1444Glu). The frequency data for this variant in the population databases is considered unreliable, as metrics indicate poor data quality at this position in the gnomAD database. This variant has not been reported in the literature in individuals affected with APC-related conditions. ClinVar contains an entry for this variant (Variation ID: 537564). Advanced modeling of protein sequence and biophysical properties (such as structural, functional, and spatial information, amino acid conservation, physicochemical variation, residue mobility, and thermodynamic stability) performed at Invitae indicates that this missense variant is not expected to disrupt APC protein function with a negative predictive value of 95%. In summary, the available evidence is currently insufficient to determine the role of this variant in disease. Therefore, it has been classified as a Variant of Uncertain Significance.

Department of Pathology and Laboratory Medicine, Sinai Health System
Classification: Uncertain significance for classic or attenuated familial adenomatous polyposis. Last evaluated: 2024-02-01. Review status: criteria provided, single submitter. Criteria: ACMG Guidelines, 2015. Collection method: clinical testing. Allele origin: germline. Affected: no.

All of Us Research Program, National Institutes of Health
Classification: Uncertain significance for Classic or attenuated familial adenomatous polyposis. Last evaluated: 2023-10-06. Review status: criteria provided, single submitter. Criteria: ACMG Guidelines, 2015. Collection method: clinical testing. Allele origin: germline. Inheritance: Autosomal dominant inheritance. Observed: 1 variant allele, 1 heterozygote.
Comment: This missense variant replaces glutamine with glutamic acid at codon 1444 of the APC protein. Computational prediction suggests that this variant may not impact protein structure and function (internally defined REVEL score threshold <= 0.5, PMID: 27666373). To our knowledge, functional studies have not been reported for this variant. This variant has not been reported in individuals affected with APC-related disorders in the literature. This variant has not been identified in the general population by the Genome Aggregation Database (gnomAD). The available evidence is insufficient to determine the role of this variant in disease conclusively. Therefore, this variant is classified as a Variant of Uncertain Significance.

This study involves interpretation of variants in research participants for the purpose of population health screening. Participant phenotype was not available at the time of variant classification. Additional details can be found in publication PMID: 35346344, PMCID: PMC8962531

Ambry Genetics
Classification: Uncertain significance for Hereditary cancer-predisposing syndrome. Last evaluated: 2022-01-28. Review status: criteria provided, single submitter. Criteria: Ambry Variant Classification Scheme 2023. Collection method: clinical testing. Allele origin: germline.
Comment: The p.Q1444E variant (also known as c.4330C>G), located in coding exon 15 of the APC gene, results from a C to G substitution at nucleotide position 4330. The glutamine at codon 1444 is replaced by glutamic acid, an amino acid with highly similar properties. This amino acid position is well conserved in available vertebrate species. In addition, in silico predictors for this gene do not accurately predict pathogenicity. Since supporting evidence is limited at this time, the clinical significance of this alteration remains unclear.